The following is an entry in ClinVar:

ClinVar aggregate classification (germline): Uncertain significance (1 of 4 stars; one submission).

Conditions:
Dilated cardiomyopathy 1G (CMD1G). Identifiers: Orphanet 154, MedGen C1858763, MONDO:0011400, OMIM 604145.
Autosomal recessive limb-girdle muscular dystrophy type 2J (LGMDR10). Also called: Limb-girdle muscular dystrophy, type 2J; MUSCULAR DYSTROPHY, LIMB-GIRDLE, AUTOSOMAL RECESSIVE 10. Identifiers: Orphanet 140922, MedGen C1837342, MONDO:0012127, OMIM 608807.

Submission:

Labcorp Genetics (formerly Invitae), Labcorp
Classification: Uncertain significance for Dilated cardiomyopathy 1G; Autosomal recessive limb-girdle muscular dystrophy type 2J. Last evaluated: 2024-06-03. Review status: criteria provided, single submitter. Criteria: Invitae Variant Classification Sherloc (09022015). Collection method: clinical testing. Allele origin: germline.
Comment: This sequence change replaces isoleucine, which is neutral and non-polar, with methionine, which is neutral and non-polar, at codon 34142 of the TTN protein (p.Ile34142Met). This variant is not present in population databases (gnomAD no frequency). This variant has not been reported in the literature in individuals affected with TTN-related conditions. Experimental studies and prediction algorithms are not available or were not evaluated, and the functional significance of this variant is currently unknown. This variant is located in the M band of TTN (PMID: 25589632). Non-truncating variants in this region may be relevant for neuromuscular disorders, but have not been definitively shown to cause cardiomyopathy (PMID: 23975875). In summary, the available evidence is currently insufficient to determine the role of this variant in disease. Therefore, it has been classified as a Variant of Uncertain Significance.

Literature cited by the submitters: PubMed 25589632; PubMed 23975875.

NM_001267550.2(TTN):c.102426A>G (p.Ile34142Met)

Genes: TTN (titin; minus strand), TTN-AS1 (TTN antisense RNA 1; plus strand). Cytogenetic location: 2q31.2.
Variant type: single nucleotide variant.
Coding change: c.102426A>G on transcript NM_001267550.2 (MANE Select); coding-DNA position 102426, A replaced by G.
Protein change: p.Ile34142Met; replaces isoleucine 34142 with methionine.
Molecular consequence: missense variant.
Genome position (GRCh38, 1-based): chr2:178,534,189, T>C on the plus strand (A>G on the coding strand, the complement: TTN is on the minus strand). VCF-style: chr2-178534189-T-C. GRCh37 (hg19) VCF-style: chr2-179398916-T-C.
Other names: c.97503A>G, p.Ile32501Met (NM_001256850.1); c.75231A>G, p.Ile25077Met (NM_003319.4); c.94722A>G, p.Ile31574Met (NM_133378.4); c.75606A>G, p.Ile25202Met (NM_133432.3); c.75807A>G, p.Ile25269Met (NM_133437.4); short protein forms I34142M, I25202M, I25269M, I31574M, I32501M, I25077M.
Identifiers: ClinVar variation 2935532 (VCV002935532.3), dbSNP rs2468525462, ClinGen allele CA349417565.